The following is an entry in ClinVar:

NM_001385641.1(SAMD11):c.2065G>A (p.Gly689Arg)

Genes: SAMD11 (sterile alpha motif domain containing 11; plus strand), LOC129929063 (ATAC-STARR-seq lymphoblastoid active region 4; plus strand). Cytogenetic location: 1p36.33.
Variant type: single nucleotide variant.
Coding change: c.2065G>A on transcript NM_001385641.1 (MANE Select); coding-DNA position 2065, G replaced by A.
Protein change: p.Gly689Arg; replaces glycine 689 with arginine.
Molecular consequence: missense variant.
Genome position (GRCh38, 1-based): chr1:943,264, G>A. VCF-style: chr1-943264-G-A. GRCh37 (hg19) VCF-style: chr1-878644-G-A.
Other names: c.2068G>A, p.Gly690Arg (NM_001385640.1); c.1576G>A, p.Gly526Arg (NM_152486.4); short protein forms G690R, G689R, G526R.
Identifiers: ClinVar variation 1507899 (VCV001507899.4), dbSNP rs558608881, ClinGen allele CA503128.

ClinVar aggregate classification (germline): Uncertain significance (1 of 4 stars; one submission).

Allele frequency attached by ClinVar (database versions not stated): ExAC 0.00002; gnomAD 0.00002 and 0.00003; gnomAD exomes 0.00002 and 0.00008; TOPMed 0.00002; 1000 Genomes Project 0.00040; 1000 Genomes Project 30x 0.00047.
gnomAD v4.1: 121 of 1,612,876 alleles (0.0075%); highest among the groups gnomAD compares: Non-Finnish European, 0.0095%; no homozygotes.

Submission:

Labcorp Genetics (formerly Invitae), Labcorp
Classification: Uncertain significance. Last evaluated: 2023-07-03. Review status: criteria provided, single submitter. Criteria: Invitae Variant Classification Sherloc (09022015). Collection method: clinical testing. Allele origin: germline.
Comment: This sequence change replaces glycine, which is neutral and non-polar, with arginine, which is basic and polar, at codon 526 of the SAMD11 protein (p.Gly526Arg). This variant is present in population databases (rs558608881, gnomAD 0.003%). This variant has not been reported in the literature in individuals affected with SAMD11-related conditions. ClinVar contains an entry for this variant (Variation ID: 1507899). An algorithm developed to predict the effect of missense changes on protein structure and function (PolyPhen-2) suggests that this variant¬†is likely to be tolerated. In summary, the available evidence is currently insufficient to determine the role of this variant in disease. Therefore, it has been classified as a Variant of Uncertain Significance.